The following is an entry in ClinVar:

ClinVar aggregate classification (germline): Uncertain significance (1 of 4 stars; one submission).

Conditions:
Short-rib thoracic dysplasia 10 with or without polydactyly (SRTD10). Identifiers: Orphanet 474, MedGen C3810175, MONDO:0014284, OMIM 615630.
Retinitis pigmentosa 71 (RP71). Identifiers: Orphanet 791, MedGen C4225342, MONDO:0014618, OMIM 616394.

Submission:

Labcorp Genetics (formerly Invitae), Labcorp
Classification: Uncertain significance for Retinitis pigmentosa 71; Short-rib thoracic dysplasia 10 with or without polydactyly. Last evaluated: 2020-08-04. Review status: criteria provided, single submitter. Criteria: Invitae Variant Classification Sherloc (09022015). Collection method: clinical testing. Allele origin: germline.
Comment: This sequence change replaces histidine with asparagine at codon 733 of the IFT172 protein (p.His733Asn). The histidine residue is moderately conserved and there is a small physicochemical difference between histidine and asparagine. This variant is not present in population databases (ExAC no frequency). This variant has not been reported in the literature in individuals with IFT172-related conditions. Algorithms developed to predict the effect of missense changes on protein structure and function are either unavailable or do not agree on the potential impact of this missense change (SIFT: "Deleterious"; PolyPhen-2: "Benign"; Align-GVGD: "Class C0"). In summary, the available evidence is currently insufficient to determine the role of this variant in disease. Therefore, it has been classified as a Variant of Uncertain Significance.

NM_015662.3(IFT172):c.2197C>A (p.His733Asn)

Gene: IFT172 (intraflagellar transport 172; minus strand). Cytogenetic location: 2p23.3.
Variant type: single nucleotide variant.
Coding change: c.2197C>A on transcript NM_015662.3 (MANE Select); coding-DNA position 2197, C replaced by A.
Protein change: p.His733Asn; replaces histidine 733 with asparagine.
Molecular consequence: missense variant.
Genome position (GRCh38, 1-based): chr2:27,461,514, G>T on the plus strand (C>A on the coding strand, the complement: IFT172 is on the minus strand). VCF-style: chr2-27461514-G-T. GRCh37 (hg19) VCF-style: chr2-27684381-G-T.
Other names: short protein forms H733N.
Identifiers: ClinVar variation 1020245 (VCV001020245.8), dbSNP rs774487712, ClinGen allele CA346384767.